The following is an entry in ClinVar:

NM_004393.6(DAG1):c.1556C>T (p.Pro519Leu)

Gene: DAG1 (dystroglycan 1; plus strand). Cytogenetic location: 3p21.31.
Variant type: single nucleotide variant.
Coding change: c.1556C>T on transcript NM_004393.6 (MANE Select); coding-DNA position 1556, C replaced by T.
Protein change: p.Pro519Leu; replaces proline 519 with leucine.
Molecular consequence: missense variant.
Genome position (GRCh38, 1-based): chr3:49,532,067, C>T. VCF-style: chr3-49532067-C-T. GRCh37 (hg19) VCF-style: chr3-49569500-C-T.
Other names: c.1556C>T, p.Pro519Leu (NM_001165928.4, NM_001177634.3, NM_001177635.3 and 9 more transcripts); c.1556C>T (NM_004393.4); short protein forms P519L.
Identifiers: ClinVar variation 948775 (VCV000948775.5), dbSNP rs761585454, ClinGen allele CA2399102.

ClinVar aggregate classification (germline): Uncertain significance. Review status: criteria provided, multiple submitters, no conflicts (2 of 4 stars). 2 submissions from 2 submitters: Uncertain significance (2). Last evaluated 2022-10-04.

Conditions:
Inborn genetic diseases. Identifiers: MedGen C0950123, MeSH D030342.
Muscular dystrophy-dystroglycanopathy (congenital with brain and eye anomalies), type A9. Also called: WALKER-WARBURG SYNDROME OR MUSCLE-EYE BRAIN DISEASE, DAG1-RELATED; Muscular dystrophy-dystroglycanopathy (congenital with brain and eye anomalies), type a, 9. Identifiers: Orphanet 370997, Orphanet 899, MedGen C4225291, MONDO:0014683, OMIM 616538.
Autosomal recessive limb-girdle muscular dystrophy type 2P. Also called: Limb-Girdle Muscular Dystrophy Type 9C; MUSCULAR DYSTROPHY, LIMB-GIRDLE, TYPE 2P; MUSCULAR DYSTROPHY-DYSTROGLYCANOPATHY, LIMB-GIRDLE, DAG1-RELATED. Identifiers: Orphanet 280333, MedGen C4511963, MONDO:0013440, OMIM 613818.

Allele frequency attached by ClinVar (database versions not stated): TOPMed 0.00001; gnomAD 0.00003; gnomAD exomes 0.00003 and 0.00011; ExAC 0.00022.
gnomAD v4.1: 49 of 1,614,028 alleles (0.003%); highest among the groups gnomAD compares: Non-Finnish European, 0.0034%; no homozygotes.

Submissions (2):

Ambry Genetics
Classification: Uncertain significance for Inborn genetic diseases. Last evaluated: 2022-10-04. Review status: criteria provided, single submitter. Criteria: Ambry Variant Classification Scheme 2023. Collection method: clinical testing. Allele origin: germline.

Labcorp Genetics (formerly Invitae), Labcorp
Classification: Uncertain significance for Autosomal recessive limb-girdle muscular dystrophy type 2P; Muscular dystrophy-dystroglycanopathy (congenital with brain and eye anomalies), type A9. Last evaluated: 2022-02-03. Review status: criteria provided, single submitter. Criteria: Invitae Variant Classification Sherloc (09022015). Collection method: clinical testing. Allele origin: germline.
Comment: This sequence change replaces proline, which is neutral and non-polar, with leucine, which is neutral and non-polar, at codon 519 of the DAG1 protein (p.Pro519Leu). This variant is present in population databases (rs761585454, gnomAD 0.02%). This variant has not been reported in the literature in individuals affected with DAG1-related conditions. ClinVar contains an entry for this variant (Variation ID: 948775). Algorithms developed to predict the effect of missense changes on protein structure and function are either unavailable or do not agree on the potential impact of this missense change (SIFT: "Deleterious"; PolyPhen-2: "Probably Damaging"; Align-GVGD: "Class C0"). In summary, the available evidence is currently insufficient to determine the role of this variant in disease. Therefore, it has been classified as a Variant of Uncertain Significance.